The following is an entry in ClinVar:

ClinVar aggregate classification (germline): Pathogenic. Review status: reviewed by expert panel (3 of 4 stars). 2 submissions from 2 submitters: Pathogenic (1). 1 of the submissions does not count toward it. Last evaluated 2016-10-18.

Conditions:
Breast-ovarian cancer, familial, susceptibility to, 2 (BROVCA2). Also called: BRCA2 Hereditary Breast and Ovarian Cancer. Identifiers: Orphanet 145, MedGen C2675520, MONDO:0012933, OMIM 612555. Disease mechanism: loss of function.

Submissions (2):

Evidence-based Network for the Interpretation of Germline Mutant Alleles (ENIGMA)
Classification: Pathogenic for Breast-ovarian cancer, familial, susceptibility to, 2. Last evaluated: 2016-10-18. Review status: reviewed by expert panel. Criteria: ENIGMA BRCA1/2 Classification Criteria (2015). Collection method: curation. Allele origin: germline.
Comment: Variant allele predicted to encode a truncated non-functional protein.

Consortium of Investigators of Modifiers of BRCA1/2 (CIMBA), c/o University of Cambridge
Classification: Pathogenic for Breast-ovarian cancer, familial, susceptibility to, 2. Last evaluated: 2015-10-02. Review status: criteria provided, single submitter. Criteria: CIMBA Mutation Classification guidelines May 2016. Collection method: clinical testing. Allele origin: germline. Not counted in ClinVar's aggregate classification.

NM_000059.4(BRCA2):c.7503_7506del (p.Arg2502fs)

Gene: BRCA2 (BRCA2 DNA repair associated; plus strand). Cytogenetic location: 13q13.1.
Variant type: Deletion.
Coding change: c.7503_7506del on transcript NM_000059.4 (MANE Select); coding-DNA positions 7503 to 7506, 4 bases deleted (ACGC; older notation c.7503_7506delACGC).
Protein change: p.Arg2502fs; shifts the reading frame from arginine 2502.
Molecular consequence: frameshift variant.
Genome position (GRCh38, 1-based): chr13:32,356,495-32,356,498, ACGC deleted. VCF-style (leftmost placement, unchanged base first): chr13-32356494-AACGC-A. GRCh37 (hg19) VCF-style: chr13-32930631-AACGC-A.
Other names: 7731del4; short protein forms R2502fs.
Identifiers: ClinVar variation 267016 (VCV000267016.5), dbSNP rs886040712, ClinGen allele CA10589433.